The following is an entry in ClinVar:

NM_000501.4(ELN):c.82+6G>C

Gene: ELN (elastin; plus strand). Cytogenetic location: 7q11.23.
Variant type: single nucleotide variant.
Coding change: c.82+6G>C on transcript NM_000501.4 (MANE Select); 6 bases into the intron after coding-DNA position 82, G replaced by C.
Molecular consequence: intron variant.
Genome position (GRCh38, 1-based): chr7:74,028,275, G>C. VCF-style: chr7-74028275-G-C. GRCh37 (hg19) VCF-style: chr7-73442605-G-C.
Other names: c.82+6G>C (NM_001081752.3, NM_001278918.2, NM_001081754.3 and 9 more transcripts).
Identifiers: ClinVar variation 4731551 (VCV004731551.1).
Genomic context (GRCh38, chr7:74,028,275, plus strand): 5'-CGGCCCGGAGTCCTCCTGCTCCTGCTGTCCATCCTCCACCCCTCTCGGCCTGGAGGTAAG[G>C]ACCCCTCGCCCCTGTCCCCAGCGCTGCCCACAGCTGCGGGCCCTTTGGGCCAGGTGACTA-3'

ClinVar aggregate classification (germline): Uncertain significance (1 of 4 stars; one submission).

Conditions:
Supravalvar aortic stenosis (SVAS). Also called: Supravalvar aortic stenosis, Eisenberg type. Identifiers: Orphanet 3193, MedGen C0003499, MONDO:0008504, OMIM 185500, HP:0004381.

Submission:

Labcorp Genetics (formerly Invitae), Labcorp
Classification: Uncertain significance for Supravalvar aortic stenosis. Last evaluated: 2025-11-19. Review status: criteria provided, single submitter. Criteria: Invitae Variant Classification Sherloc (09022015). Collection method: clinical testing. Allele origin: germline.
Comment: This sequence change falls in intron 1 of the ELN gene. It does not directly change the encoded amino acid sequence of the ELN protein. It affects a nucleotide within the consensus splice site. This variant is not present in population databases (gnomAD no frequency). This variant has not been reported in the literature in individuals affected with ELN-related conditions. Variants that disrupt the consensus splice site are a relatively common cause of aberrant splicing (PMID: 17576681, 9536098). Algorithms developed to predict the effect of sequence changes on RNA splicing suggest that this variant is not likely to affect RNA splicing. In summary, the available evidence is currently insufficient to determine the role of this variant in disease. Therefore, it has been classified as a Variant of Uncertain Significance.

Literature cited by the submitters: PubMed 17576681; PubMed 9536098.